The following is an entry in ClinVar:

NM_032888.4(COL27A1):c.4846-2A>G

Gene: COL27A1 (collagen type XXVII alpha 1 chain; plus strand). Cytogenetic location: 9q32.
Variant type: single nucleotide variant.
Coding change: c.4846-2A>G on transcript NM_032888.4 (MANE Select); the canonical splice acceptor site of the intron before coding-DNA position 4846, A replaced by G.
Molecular consequence: splice acceptor variant.
Genome position (GRCh38, 1-based): chr9:114,302,080, A>G. VCF-style: chr9-114302080-A-G. GRCh37 (hg19) VCF-style: chr9-117064360-A-G.
Identifiers: ClinVar variation 1067557 (VCV001067557.7), dbSNP rs2131667389, ClinGen allele CA374594250.
Genomic context (GRCh38, chr9:114,302,080, plus strand): 5'-ACCCTCTCAGATTCCAGCACACTGTCCCTGTCATTTGACTGACCCGCAGTCTTCTTTTGC[A>G]GGGTCCTCCAGGGGGTCCTATCCAATTGGTAAGTTGGAAACCTTCTCTTTTGCCTACTTG-3'

ClinVar aggregate classification (germline): Likely pathogenic (1 of 4 stars; one submission).

Submission:

Labcorp Genetics (formerly Invitae), Labcorp
Classification: Likely pathogenic. Last evaluated: 2020-09-23. Review status: criteria provided, single submitter. Criteria: Invitae Variant Classification Sherloc (09022015). Collection method: clinical testing. Allele origin: germline.
Comment: Algorithms developed to predict the effect of sequence changes on RNA splicing suggest that this variant may disrupt the consensus splice site, but this prediction has not been confirmed by published transcriptional studies. In summary, the currently available evidence indicates that the variant is pathogenic, but additional data are needed to prove that conclusively. Therefore, this variant has been classified as Likely Pathogenic. Donor and acceptor splice site variants typically lead to a loss of protein function (PMID: 16199547), and loss-of-function variants in COL27A1 are known to be pathogenic (PMID: 24986830, 28276056). This variant has not been reported in the literature in individuals with COL27A1-related conditions. This variant is not present in population databases (ExAC no frequency). This sequence change affects an acceptor splice site in intron 55 of the COL27A1 gene. It is expected to disrupt RNA splicing and likely results in an absent or disrupted protein product.

Literature cited by the submitters: PubMed 16199547; PubMed 24986830; PubMed 28276056.